The following is an entry in ClinVar:

NM_001267550.2(TTN):c.33094G>A (p.Glu11032Lys)

Gene: TTN (titin; minus strand). Cytogenetic location: 2q31.2.
Variant type: single nucleotide variant.
Coding change: c.33094G>A on transcript NM_001267550.2 (MANE Select); coding-DNA position 33094, G replaced by A.
Protein change: p.Glu11032Lys; replaces glutamic acid 11032 with lysine.
Molecular consequence: missense variant. On other transcripts: intron variant (3).
Genome position (GRCh38, 1-based): chr2:178,682,697, C>T on the plus strand (G>A on the coding strand, the complement: TTN is on the minus strand). VCF-style: chr2-178682697-C-T. GRCh37 (hg19) VCF-style: chr2-179547424-C-T.
Other names: c.13859-40380G>A (NM_133437.4); c.13658-40380G>A (NM_133432.3); c.32143G>A, p.Glu10715Lys (NM_001256850.1); c.29362G>A, p.Glu9788Lys (NM_133378.4); c.13283-40380G>A (NM_003319.4); short protein forms E10715K, E11032K, E9788K.
Identifiers: ClinVar variation 1353006 (VCV001353006.6), dbSNP rs2154271806, ClinGen allele CA349540722.

ClinVar aggregate classification (germline): Uncertain significance (1 of 4 stars; one submission).

Conditions:
Dilated cardiomyopathy 1G (CMD1G). Identifiers: Orphanet 154, MedGen C1858763, MONDO:0011400, OMIM 604145.
Autosomal recessive limb-girdle muscular dystrophy type 2J (LGMDR10). Also called: Limb-girdle muscular dystrophy, type 2J; MUSCULAR DYSTROPHY, LIMB-GIRDLE, AUTOSOMAL RECESSIVE 10. Identifiers: Orphanet 140922, MedGen C1837342, MONDO:0012127, OMIM 608807.

Submission:

Labcorp Genetics (formerly Invitae), Labcorp
Classification: Uncertain significance for Dilated cardiomyopathy 1G; Autosomal recessive limb-girdle muscular dystrophy type 2J. Last evaluated: 2021-09-16. Review status: criteria provided, single submitter. Criteria: Invitae Variant Classification Sherloc (09022015). Collection method: clinical testing. Allele origin: germline.
Comment: This variant is located in the I band of TTN (PMID: 25589632). Variants in this region may be clinically relevant, but have not been definitively shown to cause cardiomyopathy or neuromuscular disease (PMID: 27493940, 32778822). In summary, the available evidence is currently insufficient to determine the role of this variant in disease. Therefore, it has been classified as a Variant of Uncertain Significance. Variants that disrupt the consensus splice site are a relatively common cause of aberrant splicing (PMID: 17576681, 9536098). Algorithms developed to predict the effect of sequence changes on RNA splicing suggest that this variant may disrupt the consensus splice site. This variant has not been reported in the literature in individuals affected with TTN-related conditions. This variant is not present in population databases (ExAC no frequency). This sequence change replaces glutamic acid with lysine at codon 11032 of the TTN protein (p.Glu11032Lys). There is a small physicochemical difference between glutamic acid and lysine. This variant also falls at the last nucleotide of exon 135, which is part of the consensus splice site for this exon.

Literature cited by the submitters: PubMed 25589632; PubMed 27493940; PubMed 32778822; PubMed 17576681; PubMed 9536098.